The following is an entry in ClinVar:

NM_012123.4(MTO1):c.1592T>G (p.Leu531Ter)

Gene: MTO1 (mitochondrial tRNA translation optimization 1; plus strand). Cytogenetic location: 6q13.
Variant type: single nucleotide variant.
Coding change: c.1592T>G on transcript NM_012123.4 (MANE Select); coding-DNA position 1592, T replaced by G.
Protein change: p.Leu531Ter; replaces leucine 531 with a stop codon.
Molecular consequence: nonsense.
Genome position (GRCh38, 1-based): chr6:73,482,575, T>G. VCF-style: chr6-73482575-T-G. GRCh37 (hg19) VCF-style: chr6-74192298-T-G.
Other names: c.1712T>G, p.Leu571Ter (NM_001123226.2); c.1667T>G, p.Leu556Ter (NM_133645.3); short protein forms L531*, L556*, L571*.
Identifiers: ClinVar variation 3399615 (VCV003399615.3).

ClinVar aggregate classification (germline): Pathogenic. Review status: criteria provided, multiple submitters, no conflicts (2 of 4 stars). 2 submissions from 2 submitters: Pathogenic (2). Last evaluated 2024-10-16.

Conditions:
Inborn genetic diseases. Identifiers: MedGen C0950123, MeSH D030342.
Mitochondrial hypertrophic cardiomyopathy with lactic acidosis due to MTO1 deficiency. Also called: CARDIOMYOPATHY, INFANTILE HYPERTROPHIC MITOCHONDRIAL, AND LACTIC ACIDOSIS; Combined oxidative phosphorylation deficiency 10. Identifiers: Orphanet 314637, MedGen C4749921, MONDO:0013865, OMIM 614702.

Submissions (2):

Ambry Genetics
Classification: Pathogenic for Inborn genetic diseases. Last evaluated: 2024-10-16. Review status: criteria provided, single submitter. Criteria: Ambry Variant Classification Scheme 2023. Collection method: clinical testing. Allele origin: germline.
Comment: The c.1712T>G (p.L571*) alteration, located in exon 10 (coding exon 10) of the MTO1 gene, consists of a T to G substitution at nucleotide position 1712. This changes the amino acid from a leucine (L) to a stop codon at amino acid position 571. This alteration is expected to result in loss of function by premature protein truncation or nonsense-mediated mRNA decay. This variant was not reported in population-based cohorts in the Genome Aggregation Database (gnomAD). Based on the available evidence, this alteration is classified as pathogenic.

Labcorp Genetics (formerly Invitae), Labcorp
Classification: Pathogenic for Mitochondrial hypertrophic cardiomyopathy with lactic acidosis due to MTO1 deficiency. Last evaluated: 2024-05-08. Review status: criteria provided, single submitter. Criteria: Invitae Variant Classification Sherloc (09022015). Collection method: clinical testing. Allele origin: germline.
Comment: This sequence change creates a premature translational stop signal (p.Leu531*) in the MTO1 gene. It is expected to result in an absent or disrupted protein product. Loss-of-function variants in MTO1 are known to be pathogenic (PMID: 22608499, 25058219). This variant is not present in population databases (gnomAD no frequency). This variant has not been reported in the literature in individuals affected with MTO1-related conditions. For these reasons, this variant has been classified as Pathogenic.

Literature cited by the submitters: PubMed 22608499 (cited by Labcorp Genetics (formerly Invitae), Labcorp); PubMed 25058219 (cited by Labcorp Genetics (formerly Invitae), Labcorp).